The following is an entry in ClinVar:

NM_004036.5(ADCY3):c.2133C>T (p.Leu711=)

Gene: ADCY3 (adenylate cyclase 3; minus strand). Cytogenetic location: 2p23.3.
Variant type: single nucleotide variant.
Coding change: c.2133C>T on transcript NM_004036.5 (MANE Select); coding-DNA position 2133, C replaced by T.
Protein change: p.Leu711=; no amino-acid change (leucine 711 retained).
Molecular consequence: synonymous variant.
Genome position (GRCh38, 1-based): chr2:24,830,748, G>A on the plus strand (C>T on the coding strand, the complement: ADCY3 is on the minus strand). VCF-style: chr2-24830748-G-A. GRCh37 (hg19) VCF-style: chr2-25053617-G-A.
Other names: c.2133C>T, p.Leu711= (NM_001320613.2, NM_001377129.1, NM_001377130.1 and 1 more transcripts); c.2199C>T, p.Leu733= (NM_001377128.1); c.1410C>T, p.Leu470= (NM_001377131.1).
Identifiers: ClinVar variation 4980055 (VCV004980055.1).
Genomic context (GRCh38, chr2:24,830,748, plus strand): 5'-ACAAGGACAGCAGGAGCTCACCATGTCCACGACATTTGCCATCACCAGGATGAAGATGGC[G>A]AGCATGGCCCAGGTGTTCCTGGCCCAGCGGGTCCGGTCAATCCAAGTTGAGAAGGCCACA-3'
Protein context (NP_004027.2, residues 701-721): TRWARNTWAM[Leu711=]AIFILVMANV

ClinVar aggregate classification (germline): Likely benign (1 of 4 stars; one submission).

Conditions:
ADCY3-related disorder. Also called: ADCY3-related condition.

gnomAD v4.1: 33 of 1,613,966 alleles (0.002%); highest among the groups gnomAD compares: Non-Finnish European, 0.0026%; no homozygotes.

Submission:

PreventionGenetics, part of Exact Sciences
Classification: Likely benign for ADCY3-related condition. Last evaluated: 2026-06-01. Review status: criteria provided, single submitter. Criteria: ACMG Guidelines, 2015. Collection method: clinical testing. Allele origin: germline.
Comment: This variant is classified as likely benign based on ACMG/AMP sequence variant interpretation guidelines (Richards et al. 2015 PMID: 25741868, with internal and published modifications).